The following is an entry in ClinVar:

NM_001267550.2(TTN):c.48543T>C (p.Asn16181=)

Genes: TTN (titin; minus strand), TTN-AS1 (TTN antisense RNA 1; plus strand). Cytogenetic location: 2q31.2.
Variant type: single nucleotide variant.
Coding change: c.48543T>C on transcript NM_001267550.2 (MANE Select); coding-DNA position 48543, T replaced by C.
Protein change: p.Asn16181=; no amino-acid change (asparagine 16181 retained).
Molecular consequence: synonymous variant.
Genome position (GRCh38, 1-based): chr2:178,615,402, A>G on the plus strand (T>C on the coding strand, the complement: TTN is on the minus strand). VCF-style: chr2-178615402-A-G. GRCh37 (hg19) VCF-style: chr2-179480129-A-G.
Other names: c.43620T>C, p.Asn14540= (NM_001256850.1); c.21348T>C, p.Asn7116= (NM_003319.4); c.40839T>C, p.Asn13613= (NM_133378.4); c.21723T>C, p.Asn7241= (NM_133432.3); c.21924T>C, p.Asn7308= (NM_133437.4).
Identifiers: ClinVar variation 1090733 (VCV001090733.12), dbSNP rs564454549, ClinGen allele CA1994795.
Genomic context (GRCh38, chr2:178,615,402, plus strand): 5'-TTTATCAGAACCACGTGGACATCTTTCAACTATATATCCTTTGATGCGTGAACCACCATC[A>G]TTTTTAGGTGGATCCCATGTTAAGAAGATGCTATTGGCTGTTCGATCTCTCCATTTAACA-3'
Protein context (NP_001254479.2, residues 16171-16191): SIFLTWDPPK[Asn16181=]DGGSRIKGYI

ClinVar aggregate classification (germline): Likely benign. Review status: criteria provided, multiple submitters, no conflicts (2 of 4 stars). 3 submissions from 3 submitters: Likely benign (3). Last evaluated 2026-07-30.

Conditions:
Dilated cardiomyopathy 1G (CMD1G). Identifiers: Orphanet 154, MedGen C1858763, MONDO:0011400, OMIM 604145.
Autosomal recessive limb-girdle muscular dystrophy type 2J (LGMDR10). Also called: Limb-girdle muscular dystrophy, type 2J; MUSCULAR DYSTROPHY, LIMB-GIRDLE, AUTOSOMAL RECESSIVE 10. Identifiers: Orphanet 140922, MedGen C1837342, MONDO:0012127, OMIM 608807.
Cardiovascular phenotype. Identifiers: MedGen CN230736.
TTN-related disorder. Also called: TTN-related disorders; TTN-related condition; TTN-related disease.

Allele frequency attached by ClinVar (database versions not stated): gnomAD 0.00001; gnomAD exomes 0.00001 and 0.00002; ExAC 0.00002; 1000 Genomes Project 30x 0.00016; 1000 Genomes Project 0.00020; TOPMed below 0.00001.
gnomAD v4.1: 31 of 1,612,626 alleles (0.0019%); highest among the groups gnomAD compares: East Asian, 0.0067%; no homozygotes.

Submissions (3):

PreventionGenetics, part of Exact Sciences
Classification: Likely benign for TTN-related condition. Last evaluated: 2026-07-30. Review status: criteria provided, single submitter. Criteria: ACMG Guidelines, 2015. Collection method: clinical testing. Allele origin: germline.
Comment: This variant is classified as likely benign based on ACMG/AMP sequence variant interpretation guidelines (Richards et al. 2015 PMID: 25741868, with internal and published modifications).

Labcorp Genetics (formerly Invitae), Labcorp
Classification: Likely benign for Dilated cardiomyopathy 1G; Autosomal recessive limb-girdle muscular dystrophy type 2J. Last evaluated: 2025-12-19. Review status: criteria provided, single submitter. Criteria: Invitae Variant Classification Sherloc (09022015). Collection method: clinical testing. Allele origin: germline.

Ambry Genetics
Classification: Likely benign for Cardiovascular phenotype. Last evaluated: 2021-12-23. Review status: criteria provided, single submitter. Criteria: Ambry Variant Classification Scheme 2023. Collection method: clinical testing. Allele origin: germline.